The following is an entry in ClinVar:

ClinVar aggregate classification (germline): Likely benign. Review status: criteria provided, multiple submitters, no conflicts (2 of 4 stars). 2 submissions from 2 submitters: Likely benign (2). Last evaluated 2025-02-05.

Conditions:
POLD1-related polyposis and colorectal cancer syndrome (CRCS10). Also called: Colorectal cancer 10; COLORECTAL CANCER, SUSCEPTIBILITY TO, ON CHROMOSOME 19q; Colorectal cancer, susceptibility to, 10. Identifiers: Orphanet 220460, MedGen C2675481, MONDO:0012953, OMIM 612591.

Submissions (2):

Myriad Genetics, Inc.
Classification: Likely benign for POLD1-related polyposis and colorectal cancer syndrome. Last evaluated: 2025-02-05. Review status: criteria provided, single submitter. Criteria: Myriad Autosomal Dominant, Autosomal Recessive and X-Linked Classification Criteria (2023). Collection method: clinical testing. Allele origin: unknown.
Comment: This variant is considered likely benign. This variant is intronic and is not expected to impact mRNA splicing.

Labcorp Genetics (formerly Invitae), Labcorp
Classification: Likely benign for POLD1-related polyposis and colorectal cancer syndrome. Last evaluated: 2021-09-17. Review status: criteria provided, single submitter. Criteria: Invitae Variant Classification Sherloc (09022015). Collection method: clinical testing. Allele origin: germline.

NM_002691.4(POLD1):c.971-9G>A

Gene: POLD1 (DNA polymerase delta 1, catalytic subunit; plus strand). Cytogenetic location: 19q13.33.
Variant type: single nucleotide variant.
Coding change: c.971-9G>A on transcript NM_002691.4 (MANE Select); 9 bases into the intron before coding-DNA position 971, G replaced by A.
Molecular consequence: intron variant.
Genome position (GRCh38, 1-based): chr19:50,403,044, G>A. VCF-style: chr19-50403044-G-A. GRCh37 (hg19) VCF-style: chr19-50906301-G-A.
Other names: c.971-9G>A (NM_001256849.1, NM_001308632.1).
Identifiers: ClinVar variation 1605104 (VCV001605104.9), dbSNP rs1386781643, ClinGen allele CA2573156565.
Genomic context (GRCh38, chr19:50,403,044, plus strand): 5'-GGTGCAGCCTCCCTGCTGTGTTGGGAGTGAGGGGCAGGAGTCAGGCCCCTGCATCCTCCT[G>A]CCTCGCAGGCATCTTCCCTGAGCCTGAGCGGGACCCTGTCATCCAGATCTGCTCGCTGGG-3'